The following is an entry in ClinVar:

NM_130839.5(UBE3A):c.1127dup (p.Tyr376Ter)

Genes: SNHG14 (small nucleolar RNA host gene 14; plus strand), UBE3A (ubiquitin protein ligase E3A; minus strand). Cytogenetic location: 15q11.2.
Variant type: Duplication.
Coding change: c.1127dup on transcript NM_130839.5 (MANE Select); coding-DNA position 1127, one base duplicated (A; older notation c.1127dupA).
Protein change: p.Tyr376Ter; replaces tyrosine 376 with a stop codon.
Molecular consequence: nonsense. On other transcripts: non-coding transcript variant (1), intron variant (2).
Genome position (GRCh38, 1-based): chr15:25,371,047, T duplicated on the plus strand (A on the coding strand, the reverse complement: UBE3A is on the minus strand). VCF-style (leftmost placement, unchanged base first): chr15-25371046-G-GT. GRCh37 (hg19) VCF-style: chr15-25616193-G-GT.
Other names: c.1136dup, p.Tyr379Ter (NM_000462.5); c.1127dup, p.Tyr376Ter (NM_001354505.1, NM_001354538.2, NM_001354545.2); c.1067dup, p.Tyr356Ter (NM_001354506.2, NM_001354507.2, NM_001354508.2 and 17 more transcripts); c.950dup, p.Tyr317Ter (NM_001354546.2); c.301+4418dup (NM_001354551.2); c.361+4418dup (NM_001354550.2); short protein forms Y317*, Y356*, Y376*, Y379*.
Identifiers: ClinVar variation 155944 (VCV000155944.1), dbSNP rs587781193, ClinGen allele CA333301.

ClinVar aggregate classification (germline): Pathogenic (0 of 4 stars; one submission).

Conditions:
Angelman syndrome (AS). Also called: HAPPY PUPPET SYNDROME. Identifiers: Orphanet 72, MedGen C0162635, MONDO:0007113, OMIM 105830. Disease mechanism: loss of function. Inheritance: AS is caused by disruption of maternally imprinted UBE3A located within the 15q11.2-q13 Angelman syndrome/Prader-Willi syndrome (AS/PWS) region., imprinting disorder.

Submission:

Baylor Genetics
Classification: Pathogenic for Angelman Syndrome. Last evaluated: 2014-02-14. Review status: no assertion criteria provided. Collection method: clinical testing. Allele origin: germline. Affected: yes. Observed: 1 variant allele. Study: UBE3A Mutation Study.
Comment: Data collected from clinical UBE3A sequence analysis results

Literature cited by the submitters: PubMed 25212744.